The following is an entry in ClinVar:

ClinVar aggregate classification (germline): Likely pathogenic (1 of 4 stars; one submission).

Conditions:
Fuhrmann syndrome. Identifiers: Orphanet 2854, MedGen C1856728, MONDO:0009232, OMIM 228930.
Schinzel phocomelia syndrome. Also called: LIMB/PELVIS-HYPOPLASIA/APLASIA SYNDROME; ULNA AND FIBULA, ABSENCE OF, WITH SEVERE LIMB DEFICIENCY; AL-AWADI/RAAS-ROTHSCHILD SYNDROME; Phocomelia, Schinzel type. Identifiers: Orphanet 2879, MedGen C1848651, MONDO:0010164, OMIM 276820.
Santos syndrome. Also called: FIBULAR AGENESIS/HYPOPLASIA, OLIGODACTYLOUS CLUBFEET, AND ANONYCHIA/NAIL HYPOPLASIA SYNDROME. Identifiers: MedGen C2751698, MONDO:0013077, OMIM 613005.

Submission:

First Genomix Gene Laboratory, Genetic Diagnostics Department
Classification: Likely pathogenic for Santos syndrome; Fuhrmann syndrome; Schinzel phocomelia syndrome. Last evaluated: 2025-04-09. Review status: criteria provided, single submitter. Criteria: ACMG Guidelines, 2015. Collection method: clinical testing. Allele origin: germline. Inheritance: Autosomal recessive inheritance. Affected: no. Observed: 1 variant allele.

NM_004625.4(WNT7A):c.399C>A (p.Cys133Ter)

Genes: WNT7A (Wnt family member 7A; minus strand), LOC126806608 (P300/CBP strongly-dependent group 1 enhancer GRCh37_chr3:13895244-13896443; plus strand). Cytogenetic location: 3p25.1.
Variant type: single nucleotide variant.
Coding change: c.399C>A on transcript NM_004625.4 (MANE Select); coding-DNA position 399, C replaced by A.
Protein change: p.Cys133Ter; replaces cysteine 133 with a stop codon.
Molecular consequence: nonsense.
Genome position (GRCh38, 1-based): chr3:13,854,703, G>T on the plus strand (C>A on the coding strand, the complement: WNT7A is on the minus strand). VCF-style: chr3-13854703-G-T. GRCh37 (hg19) VCF-style: chr3-13896200-G-T.
Other names: short protein forms C133*.
Identifiers: ClinVar variation 4526604 (VCV004526604.1).
Genomic context (GRCh38, chr3:13,854,703, plus strand): 5'-AGAGCAGCCACCCCACTTCCAGCCCTCGTCCCGGTGGTACTGGCCTTGCTTCTCTTTGTC[G>T]CAGCCACAGTCGCTCAGGTTGCCCTGGGTACAGGCAGCTGTGATGGCGTGGGCCACGCCG-3'